The following is an entry in ClinVar:

NM_003002.4(SDHD):c.342T>A (p.Tyr114Ter)

Gene: SDHD (succinate dehydrogenase complex subunit D; plus strand). Cytogenetic location: 11q23.1.
Variant type: single nucleotide variant.
Coding change: c.342T>A on transcript NM_003002.4 (MANE Select); coding-DNA position 342, T replaced by A.
Protein change: p.Tyr114Ter; replaces tyrosine 114 with a stop codon.
Molecular consequence: nonsense. On other transcripts: missense variant (1), 3 prime UTR variant (1), non-coding transcript variant (1).
Genome position (GRCh38, 1-based): chr11:112,094,832, T>A. VCF-style: chr11-112094832-T-A. GRCh37 (hg19) VCF-style: chr11-111965556-T-A.
Other names: c.197T>A, p.Met66Lys (NM_001276503.2); c.225T>A, p.Tyr75Ter (NM_001276504.2); c.*40T>A (NM_001276506.2); short protein forms M66K, Y114*, Y75*.
Identifiers: ClinVar variation 438437 (VCV000438437.16), dbSNP rs1050032491, ClinGen allele CA382618852.

ClinVar aggregate classification (germline): Pathogenic. Review status: criteria provided, multiple submitters, no conflicts (2 of 4 stars). 5 submissions from 5 submitters: Pathogenic (4). 1 of the submissions does not count toward it. Last evaluated 2026-02-26.

Conditions:
Hereditary cancer-predisposing syndrome. Also called: Neoplastic Syndromes, Hereditary; Hereditary neoplastic syndrome; Tumor predisposition; Hereditary Cancer Syndrome. Identifiers: Orphanet 140162, MedGen C0027672, MeSH D009386, MONDO:0015356.
Paragangliomas with sensorineural hearing loss. Identifiers: MedGen C1868633.
Pheochromocytoma. Also called: MAX-Related Hereditary Paraganglioma-Pheochromocytoma Syndrome. Identifiers: Orphanet 29072, MedGen C0031511, MONDO:0008233, OMIM 171300, HP:0002666.
Cowden syndrome 3 (CWS3). Identifiers: Orphanet 201, MedGen CN166604, MONDO:0014045.
Carney-Stratakis syndrome. Also called: PARAGANGLIOMA AND GASTROINTESTINAL STROMAL TUMOR. Identifiers: Orphanet 97286, MedGen C1847319, MONDO:0011740, OMIM 606864.
Inherited phaeochromocytoma and paraganglioma excluding NF1.
Hereditary pheochromocytoma and paraganglioma. Also called: Hereditary Paraganglioma-Pheochromocytoma Syndromes; Hereditary paragangliomas and pheochromocytomas; Hereditary pheochromocytoma-paraganglioma. Identifiers: Orphanet 29072, MedGen C4274332, MONDO:0017366.

Submissions (5):

Cambridge Genomics Laboratory, East Genomic Laboratory Hub, NHS Genomic Medicine Service
Classification: Pathogenic for Inherited phaeochromocytoma and paraganglioma excluding NF1. Last evaluated: 2026-02-26. Review status: criteria provided, single submitter. Criteria: ACGS Best Practice Guidelines for Variant Classification in Rare Disease 2020. Collection method: clinical testing. Allele origin: germline. Affected: yes.
Comment: PVS1_Strong,PS4_Moderate,PM1,PP4_Strong

Ambry Genetics
Classification: Pathogenic for Hereditary cancer-predisposing syndrome. Last evaluated: 2022-05-05. Review status: criteria provided, single submitter. Criteria: Ambry Variant Classification Scheme 2023. Collection method: clinical testing. Allele origin: germline.
Comment: The p.Y114* pathogenic mutation (also known as c.342T>A), located in coding exon 4 of the SDHD gene, results from a T to A substitution at nucleotide position 342. This changes the amino acid from a tyrosine to a stop codon within coding exon 4. This alteration occurs at the 3' terminus of theSDHD gene, is not expected to trigger nonsense-mediated mRNA decay, and only impacts the last 46 amino acids of the protein. However, premature stop codons are typically deleterious in nature and the impacted region is critical for protein function (Ambry internal data). This mutation has been reported in multiple individuals with paragangliomas (Timmers HJ et al. Clin Endocrinol (Oxf), 2008 Apr;68:561-6; Daniel E et al. Eur J Endocrinol, 2016 Dec;175:561-570; Andrews KA et al. J Med Genet, 2018 06;55:384-394).(McCrary HC et al. JAMA Otolaryngol Head Neck Surg, 2019 07;145:641-646; Greenberg SE et al. Genet Med, 2020 12;22:2101-2107). Other truncating alterations downstream have been observed in individuals with a personal and/or family history that is consistent with SDHD-related disease (Ambry internal data). This variant is considered to be rare based on population cohorts in the Genome Aggregation Database (gnomAD). Based on the supporting evidence, this alteration is interpreted as a disease-causing mutation.

ARUP Laboratories, Molecular Genetics and Genomics, ARUP Laboratories
Classification: Pathogenic. Last evaluated: 2018-10-29. Review status: criteria provided, single submitter. Criteria: ARUP Molecular Germline Variant Investigation Process. Collection method: clinical testing. Allele origin: germline.
Comment: The SDHD c.342T>A; p.Tyr114Ter variant is reported in the literature in multiple individuals affected with paragangliomas (Andrews 2018, Timmers 2008). This variant is reported as pathogenic by multiple laboratories in ClinVar (Variation ID: 438437), and is absent from general population databases (1000 Genomes Project, Exome Variant Server, and Genome Aggregation Database), indicating it is not a common polymorphism. This variant results in a premature termination codon in the last exon of the SDHD gene. While this may not lead to nonsense-mediated decay, it is expected to create a truncated protein missing the last 46 amino acids. Based on available information, the p.Tyr114Ter variant is considered to be pathogenic. References: Andrews KA et al. Tumour risks and genotype-phenotype correlations associated with germline variants in succinate dehydrogenase subunit genes SDHB, SDHC and SDHD. J Med Genet. 2018 Jun;55(6):384-394. Timmers HJ et al. Mutations associated with succinate dehydrogenase D-related malignant paragangliomas. Clin Endocrinol (Oxf). 2008 Apr;68(4):561-6.

Labcorp Genetics (formerly Invitae), Labcorp
Classification: Pathogenic for Carney-Stratakis syndrome; Paragangliomas with sensorineural hearing loss; Pheochromocytoma; Cowden syndrome 3. Last evaluated: 2017-08-06. Review status: criteria provided, single submitter. Criteria: Invitae Variant Classification Sherloc (09022015). Collection method: clinical testing. Allele origin: germline.
Comment: In summary, this is a rare truncating variant that is expected to disrupt 46 C-terminal amino acids of the SDHD protein, including a region shown to be critical for SDHD protein function. In addition, this variant is absent in the population, and has been reported in an affected individual. For these reasons, this variant has been classified as Pathogenic. While no functional studies have been performed to test the effects of this particular variant on SDHD protein function or stability, it deletes 46 C-terminal amino acid residues from the SDHD protein. A founder mutation (p.Leu139Pro) has been reported in this region (PMID: 21348866, 11391798), indicating that the C-terminal amino acid residues may be critical for SDHD function. This variant has been reported in an individual affected with SDHD-related malignant paragangliomas (PMID: 17973943). This variant is not present in population databases (ExAC no frequency). This sequence change results in a premature translational stop signal in the last exon of the SDHD mRNA at codon 114 (p.Tyr114*). While this is not anticipated to result in nonsense mediated decay, it is expected to delete the last 46 amino acids of the SDHD protein.

Section on Medical Neuroendocrinolgy, National Institutes of Health
Classification: Pathogenic for Hereditary pheochromocytoma and paraganglioma. Review status: no assertion criteria provided. Collection method: research. Allele origin: germline. Affected: yes. Not counted in ClinVar's aggregate classification.

Literature cited by the submitters: PubMed 17973943 (cited by Ambry Genetics and Labcorp Genetics (formerly Invitae), Labcorp); PubMed 27634942 (cited by Ambry Genetics); PubMed 29386252 (cited by Ambry Genetics); PubMed 31194233 (cited by Ambry Genetics); PubMed 32741965 (cited by Ambry Genetics); PubMed 21348866 (cited by Labcorp Genetics (formerly Invitae), Labcorp); PubMed 11391798 (cited by Labcorp Genetics (formerly Invitae), Labcorp).